The following is an entry in ClinVar:

ClinVar aggregate classification (germline): Benign/Likely benign. Review status: criteria provided, multiple submitters, no conflicts (2 of 4 stars). 3 submissions from 3 submitters: Benign (1); Likely benign (2). Last evaluated 2025-12-16.

Conditions:
Hereditary spastic paraplegia 28. Also called: Spastic paraplegia 28, autosomal recessive. Identifiers: Orphanet 101008, MedGen C1836295, MONDO:0012256, OMIM 609340.

Allele frequency attached by ClinVar (database versions not stated): ExAC 0.00028; gnomAD exomes 0.00028; gnomAD 0.00066 and 0.00069; ESP Exome Variant Server 0.00077; TOPMed 0.00086; 1000 Genomes Project 30x 0.00109; 1000 Genomes Project 0.00120.
gnomAD v4.1: 298 of 1,611,446 alleles (0.018%); highest among the groups gnomAD compares: African/African-American, 0.26%; 1 homozygote.

Submissions (3):

Labcorp Genetics (formerly Invitae), Labcorp
Classification: Benign for Hereditary spastic paraplegia 28. Last evaluated: 2025-12-16. Review status: criteria provided, single submitter. Criteria: Invitae Variant Classification Sherloc (09022015). Collection method: clinical testing. Allele origin: germline.

Blueprint Genetics
Classification: Likely benign. Last evaluated: 2024-10-18. Review status: criteria provided, single submitter. Criteria: ACMG Guidelines, 2015. Collection method: clinical testing. Allele origin: germline.

CeGaT Center for Human Genetics Tuebingen
Classification: Likely benign. Last evaluated: 2023-01-01. Review status: criteria provided, single submitter. Criteria: CeGaT Center For Human Genetics Tuebingen Variant Classification Criteria Version 2. Collection method: clinical testing. Allele origin: germline. Affected: yes. Observed: 1 variant allele.
Comment: DDHD1: BP4, BP7

NM_001160148.2(DDHD1):c.882C>T (p.Asp294=)

Gene: DDHD1 (DDHD domain containing 1; minus strand). Cytogenetic location: 14q22.1.
Variant type: single nucleotide variant.
Coding change: c.882C>T on transcript NM_001160148.2 (MANE Select); coding-DNA position 882, C replaced by T.
Protein change: p.Asp294=; no amino-acid change (aspartic acid 294 retained).
Molecular consequence: synonymous variant.
Genome position (GRCh38, 1-based): chr14:53,103,813, G>A on the plus strand (C>T on the coding strand, the complement: DDHD1 is on the minus strand). VCF-style: chr14-53103813-G-A. GRCh37 (hg19) VCF-style: chr14-53570531-G-A.
Other names: c.882C>T, p.Asp294= (NM_001160147.2, NM_030637.3).
Identifiers: ClinVar variation 698318 (VCV000698318.34), dbSNP rs147569085, ClinGen allele CA7191382.